The following is an entry in ClinVar:

NM_002691.4(POLD1):c.1686+6T>C

Gene: POLD1 (DNA polymerase delta 1, catalytic subunit; plus strand). Cytogenetic location: 19q13.33.
Variant type: single nucleotide variant.
Coding change: c.1686+6T>C on transcript NM_002691.4 (MANE Select); 6 bases into the intron after coding-DNA position 1686, T replaced by C.
Molecular consequence: intron variant.
Genome position (GRCh38, 1-based): chr19:50,407,180, T>C. VCF-style: chr19-50407180-T-C. GRCh37 (hg19) VCF-style: chr19-50910437-T-C.
Other names: c.1686+6T>C (NM_001256849.1, NM_001308632.1).
Identifiers: ClinVar variation 1413161 (VCV001413161.8), dbSNP rs2038925676, ClinGen allele CA2340885619.

ClinVar aggregate classification (germline): Uncertain significance (1 of 4 stars; one submission).

Conditions:
POLD1-related polyposis and colorectal cancer syndrome (CRCS10). Also called: Colorectal cancer, susceptibility to, 10; Colorectal cancer 10; COLORECTAL CANCER, SUSCEPTIBILITY TO, ON CHROMOSOME 19q. Identifiers: Orphanet 220460, MedGen C2675481, MONDO:0012953, OMIM 612591.

Allele frequency attached by ClinVar (database versions not stated): gnomAD exomes below 0.00001.
gnomAD v4.1: 3 of 1,594,364 alleles (0.00019%); highest among the groups gnomAD compares: Middle Eastern, 0.017%; no homozygotes.

Submission:

Labcorp Genetics (formerly Invitae), Labcorp
Classification: Uncertain significance for POLD1-related polyposis and colorectal cancer syndrome. Last evaluated: 2024-12-15. Review status: criteria provided, single submitter. Criteria: Invitae Variant Classification Sherloc (09022015). Collection method: clinical testing. Allele origin: germline.
Comment: This sequence change falls in intron 13 of the POLD1 gene. It does not directly change the encoded amino acid sequence of the POLD1 protein. It affects a nucleotide within the consensus splice site. This variant is not present in population databases (gnomAD no frequency). This variant has not been reported in the literature in individuals affected with POLD1-related conditions. ClinVar contains an entry for this variant (Variation ID: 1413161). Variants that disrupt the consensus splice site are a relatively common cause of aberrant splicing (PMID: 17576681, 9536098). Studies have shown that this variant is associated with inconclusive levels of altered splicing (internal data). In summary, the available evidence is currently insufficient to determine the role of this variant in disease. Therefore, it has been classified as a Variant of Uncertain Significance.

Literature cited by the submitters: PubMed 17576681; PubMed 9536098.